The following is an entry in ClinVar:

ClinVar aggregate classification (germline): Likely benign. Review status: criteria provided, multiple submitters, no conflicts (2 of 4 stars). 2 submissions from 2 submitters: Likely benign (2). Last evaluated 2026-01-11.

Allele frequency attached by ClinVar (database versions not stated): TOPMed below 0.00001; gnomAD exomes 0.00001; ExAC 0.00007.
gnomAD v4.1: 7 of 1,549,892 alleles (0.00045%); highest among the groups gnomAD compares: South Asian, 0.0048%; no homozygotes.

Submissions (2):

Labcorp Genetics (formerly Invitae), Labcorp
Classification: Likely benign. Last evaluated: 2026-01-11. Review status: criteria provided, single submitter. Criteria: Invitae Variant Classification Sherloc (09022015). Collection method: clinical testing. Allele origin: germline.

GeneDx
Classification: Likely benign. Last evaluated: 2017-11-21. Review status: criteria provided, single submitter. Criteria: GeneDx Variant Classification (06012015). Collection method: clinical testing. Allele origin: germline. Affected: yes.
Comment: This variant is considered likely benign or benign based on one or more of the following criteria: it is a conservative change, it occurs at a poorly conserved position in the protein, it is predicted to be benign by multiple in silico algorithms, and/or has population frequency not consistent with disease.

NM_001367624.2(ZNF469):c.1809C>T (p.Ser603=)

Gene: ZNF469 (zinc finger protein 469; plus strand). Cytogenetic location: 16q24.2.
Variant type: single nucleotide variant.
Coding change: c.1809C>T on transcript NM_001367624.2 (MANE Select); coding-DNA position 1809, C replaced by T.
Protein change: p.Ser603=; no amino-acid change (serine 603 retained).
Molecular consequence: synonymous variant.
Genome position (GRCh38, 1-based): chr16:88,429,279, C>T. VCF-style: chr16-88429279-C-T. GRCh37 (hg19) VCF-style: chr16-88495687-C-T.
Identifiers: ClinVar variation 513429 (VCV000513429.5), dbSNP rs748014455, ClinGen allele CA8224714.